The following is an entry in ClinVar:

NM_000883.4(IMPDH1):c.794C>T (p.Thr265Met)

Gene: IMPDH1 (inosine monophosphate dehydrogenase 1; minus strand). Cytogenetic location: 7q32.1.
Variant type: single nucleotide variant.
Coding change: c.794C>T on transcript NM_000883.4 (MANE Select); coding-DNA position 794, C replaced by T.
Protein change: p.Thr265Met; replaces threonine 265 with methionine.
Molecular consequence: missense variant.
Genome position (GRCh38, 1-based): chr7:128,400,175, G>A on the plus strand (C>T on the coding strand, the complement: IMPDH1 is on the minus strand). VCF-style: chr7-128400175-G-A. GRCh37 (hg19) VCF-style: chr7-128040229-G-A.
Other names: c.764C>T, p.Thr255Met (NM_001102605.2); c.539C>T, p.Thr180Met (NM_001142573.2); c.524C>T, p.Thr175Met (NM_001142574.2); c.464C>T, p.Thr155Met (NM_001142575.2); c.695C>T, p.Thr232Met (NM_001142576.2); c.587C>T, p.Thr196Met (NM_001304521.2); c.686C>T, p.Thr229Met (NM_183243.3); short protein forms T155M, T175M, T180M, T196M, T229M, T232M, T255M, T265M.
Identifiers: ClinVar variation 1011370 (VCV001011370.10), dbSNP rs182196127, ClinGen allele CA4471030.

ClinVar aggregate classification (germline): Uncertain significance (1 of 4 stars; one submission).

Allele frequency attached by ClinVar (database versions not stated): TOPMed below 0.00001; ExAC 0.00001; gnomAD 0.00001; gnomAD exomes 0.00001 and 0.00002; 1000 Genomes Project 30x 0.00016; 1000 Genomes Project 0.00020.
gnomAD v4.1: 20 of 1,614,064 alleles (0.0012%); highest among the groups gnomAD compares: Admixed American, 0.0033%; no homozygotes.

Submission:

Labcorp Genetics (formerly Invitae), Labcorp
Classification: Uncertain significance. Last evaluated: 2022-02-05. Review status: criteria provided, single submitter. Criteria: Invitae Variant Classification Sherloc (09022015). Collection method: clinical testing. Allele origin: germline.
Comment: This sequence change replaces threonine, which is neutral and polar, with methionine, which is neutral and non-polar, at codon 265 of the IMPDH1 protein (p.Thr265Met). This variant is present in population databases (rs182196127, gnomAD 0.003%). This variant has not been reported in the literature in individuals affected with IMPDH1-related conditions. ClinVar contains an entry for this variant (Variation ID: 1011370). Algorithms developed to predict the effect of missense changes on protein structure and function are either unavailable or do not agree on the potential impact of this missense change (SIFT: "Deleterious"; PolyPhen-2: "Probably Damaging"; Align-GVGD: "Class C0"). In summary, the available evidence is currently insufficient to determine the role of this variant in disease. Therefore, it has been classified as a Variant of Uncertain Significance.